The following is an entry in ClinVar:

NM_003718.5(CDK13):c.748AGC[4] (p.Ser254del)

Gene: CDK13 (cyclin dependent kinase 13; plus strand). Cytogenetic location: 7p14.1.
Variant type: Microsatellite.
Coding change: c.748AGC[4] on transcript NM_003718.5 (MANE Select); four copies in a row of the 3-base unit AGC starting at c.748; the reference has five copies in a row; one copy, 3 bases deleted.
Protein change: p.Ser254del; deletes serine 254.
Molecular consequence: inframe indel (on NM_031267.4).
Genome position (GRCh38, 1-based): chr7:39,951,401-39,951,403, AGC deleted; deleting any 3 consecutive bases within chr7:39,951,387-39,951,403 gives the same sequence; the position shown is the placement nearest the transcript's 3' end. VCF-style (leftmost placement, unchanged base first): chr7-39951386-GGCA-G. GRCh37 (hg19) VCF-style: chr7-39990985-GGCA-G.
Other names: c.748_750AGC[4], p.Ser254del (NM_031267.4); short protein forms S254del.
Identifiers: ClinVar variation 3055651 (VCV003055651.2), dbSNP rs746568580, ClinGen allele CA4228325.

ClinVar aggregate classification (germline): Likely benign (0 of 4 stars; one submission).

Conditions:
CDK13-related disorder. Also called: CDK13-related condition. Identifiers: MedGen C5816700.

Submission:

PreventionGenetics, part of Exact Sciences
Classification: Likely benign for CDK13-related condition. Last evaluated: 2021-02-04. Review status: no assertion criteria provided. Collection method: clinical testing. Allele origin: germline.
Comment: This variant is classified as likely benign based on ACMG/AMP sequence variant interpretation guidelines (Richards et al. 2015 PMID: 25741868, with internal and published modifications).